The following is an entry in ClinVar:

NM_033026.6(PCLO):c.12628A>G (p.Arg4210Gly)

Gene: PCLO (piccolo presynaptic cytomatrix protein; minus strand). Cytogenetic location: 7q21.11.
Variant type: single nucleotide variant.
Coding change: c.12628A>G on transcript NM_033026.6 (MANE Select); coding-DNA position 12628, A replaced by G.
Protein change: p.Arg4210Gly; replaces arginine 4210 with glycine.
Molecular consequence: missense variant.
Genome position (GRCh38, 1-based): chr7:82,915,358, T>C on the plus strand (A>G on the coding strand, the complement: PCLO is on the minus strand). VCF-style: chr7-82915358-T-C. GRCh37 (hg19) VCF-style: chr7-82544674-T-C.
Other names: c.12628A>G (NM_033026.5); c.12628A>G, p.Arg4210Gly (NM_014510.3); short protein forms R4210G.
Identifiers: ClinVar variation 1900953 (VCV001900953.6), dbSNP rs765350469, ClinGen allele CA4319339.

ClinVar aggregate classification (germline): Uncertain significance. Review status: criteria provided, multiple submitters, no conflicts (2 of 4 stars). 3 submissions from 3 submitters: Uncertain significance (3). Last evaluated 2023-04-24.

Conditions:
Inborn genetic diseases. Identifiers: MedGen C0950123, MeSH D030342.
Pontocerebellar hypoplasia type 3 (PCH3). Also called: CEREBELLAR ATROPHY WITH PROGRESSIVE MICROCEPHALY; PCH WITH OPTIC ATROPHY. Identifiers: Orphanet 97249, MedGen C1842687, MONDO:0011948, OMIM 608027.

Allele frequency attached by ClinVar (database versions not stated): ExAC 0.00001; gnomAD exomes 0.00001; TOPMed 0.00002; gnomAD 0.00003.
gnomAD v4.1: 24 of 1,613,368 alleles (0.0015%); highest among the groups gnomAD compares: Non-Finnish European, 0.0019%; no homozygotes.

Submissions (3):

Ambry Genetics
Classification: Uncertain significance for Inborn genetic diseases. Last evaluated: 2023-04-24. Review status: criteria provided, single submitter. Criteria: Ambry Variant Classification Scheme 2023. Collection method: clinical testing. Allele origin: germline.

Laboratorio de Genetica e Diagnostico Molecular, Hospital Israelita Albert Einstein
Classification: Uncertain significance for Pontocerebellar hypoplasia type 3. Last evaluated: 2022-11-04. Review status: criteria provided, single submitter. Criteria: ACMG Guidelines, 2015. Collection method: clinical testing. Allele origin: germline. Affected: yes.
Comment: ACMG classification criteria: PM2 moderated, BP4 supporting

Labcorp Genetics (formerly Invitae), Labcorp
Classification: Uncertain significance. Last evaluated: 2022-04-19. Review status: criteria provided, single submitter. Criteria: Invitae Variant Classification Sherloc (09022015). Collection method: clinical testing. Allele origin: germline.
Comment: This sequence change replaces arginine, which is basic and polar, with glycine, which is neutral and non-polar, at codon 4210 of the PCLO protein (p.Arg4210Gly). This variant is present in population databases (rs765350469, gnomAD 0.006%). This variant has not been reported in the literature in individuals affected with PCLO-related conditions. Algorithms developed to predict the effect of missense changes on protein structure and function are either unavailable or do not agree on the potential impact of this missense change (SIFT: "Deleterious"; PolyPhen-2: "Not Available"; Align-GVGD: "Class C0"). In summary, the available evidence is currently insufficient to determine the role of this variant in disease. Therefore, it has been classified as a Variant of Uncertain Significance.